The following is an entry in ClinVar:

ClinVar aggregate classification (germline): Uncertain significance (1 of 4 stars; one submission).

Submission:

GeneDx
Classification: Uncertain significance. Last evaluated: 2024-10-08. Review status: criteria provided, single submitter. Criteria: GeneDx Variant Classification Process June 2021. Collection method: clinical testing. Allele origin: germline. Affected: yes.
Comment: Not observed at significant frequency in large population cohorts (gnomAD); In silico analysis supports that this missense variant has a deleterious effect on protein structure/function; Has not been previously published as pathogenic or benign to our knowledge.

NM_020435.4(GJC2):c.632G>A (p.Arg211His)

Gene: GJC2 (gap junction protein gamma 2; plus strand). Cytogenetic location: 1q42.13.
Variant type: single nucleotide variant.
Coding change: c.632G>A on transcript NM_020435.4 (MANE Select); coding-DNA position 632, G replaced by A.
Protein change: p.Arg211His; replaces arginine 211 with histidine.
Molecular consequence: missense variant.
Genome position (GRCh38, 1-based): chr1:228,158,390, G>A. VCF-style: chr1-228158390-G-A. GRCh37 (hg19) VCF-style: chr1-228346091-G-A.
Other names: short protein forms R211H.
Identifiers: ClinVar variation 3777507 (VCV003777507.1).